The following is an entry in ClinVar:

NM_003106.4(SOX2):c.518T>A (p.Met173Lys)

Genes: SOX2 (SRY-box transcription factor 2; plus strand), SOX2-OT (SOX2 overlapping transcript; plus strand), LOC108281177 (SOX2 5' regulatory region; plus strand). Cytogenetic location: 3q26.33.
Variant type: single nucleotide variant.
Coding change: c.518T>A on transcript NM_003106.4 (MANE Select); coding-DNA position 518, T replaced by A.
Protein change: p.Met173Lys; replaces methionine 173 with lysine.
Molecular consequence: missense variant.
Genome position (GRCh38, 1-based): chr3:181,712,878, T>A. VCF-style: chr3-181712878-T-A. GRCh37 (hg19) VCF-style: chr3-181430666-T-A.
Other names: short protein forms M173K.
Identifiers: ClinVar variation 4282159 (VCV004282159.1).
Genomic context (GRCh38, chr3:181,712,878, plus strand): 5'-TGAACCAGCGCATGGACAGTTACGCGCACATGAACGGCTGGAGCAACGGCAGCTACAGCA[T>A]GATGCAGGACCAGCTGGGCTACCCGCAGCACCCGGGCCTCAATGCGCACGGCGCAGCGCA-3'
Protein context (NP_003097.1, residues 163-183): MNGWSNGSYS[Met173Lys]MQDQLGYPQH

ClinVar aggregate classification (germline): Uncertain significance (1 of 4 stars; one submission).

Submission:

GeneDx
Classification: Uncertain significance. Last evaluated: 2025-04-13. Review status: criteria provided, single submitter. Criteria: GeneDx Variant Classification Process June 2021. Collection method: clinical testing. Allele origin: germline. Affected: yes.
Comment: Not observed at significant frequency in large population cohorts (gnomAD); In silico analysis supports that this missense variant has a deleterious effect on protein structure/function; Has not been previously published as pathogenic or benign to our knowledge